The following is an entry in ClinVar:

NM_020134.4(DPYSL5):c.936C>G (p.Ser312Arg)

Gene: DPYSL5 (dihydropyrimidinase like 5; plus strand). Cytogenetic location: 2p23.3.
Variant type: single nucleotide variant.
Coding change: c.936C>G on transcript NM_020134.4 (MANE Select); coding-DNA position 936, C replaced by G.
Protein change: p.Ser312Arg; replaces serine 312 with arginine.
Molecular consequence: missense variant.
Genome position (GRCh38, 1-based): chr2:26,934,723, C>G. VCF-style: chr2-26934723-C-G. GRCh37 (hg19) VCF-style: chr2-27157591-C-G.
Other names: c.936C>G, p.Ser312Arg (NM_001253723.2, NM_001253724.2); short protein forms S312R.
Identifiers: ClinVar variation 1704789 (VCV001704789.2), dbSNP rs753873507, ClinGen allele CA346140630.

ClinVar aggregate classification (germline): Uncertain significance (1 of 4 stars; one submission).

Allele frequency attached by ClinVar (database versions not stated): gnomAD exomes below 0.00001; TOPMed below 0.00001.
gnomAD v4.1: 1 of 1,614,114 alleles (0.000062%); highest among the groups gnomAD compares: Non-Finnish European, 0.000085%; no homozygotes.

Submission:

GeneDx
Classification: Uncertain significance. Last evaluated: 2022-03-08. Review status: criteria provided, single submitter. Criteria: GeneDx Variant Classification Process June 2021. Collection method: clinical testing. Allele origin: germline. Affected: yes.
Comment: Has not been previously published as pathogenic or benign to our knowledge; Not observed at significant frequency in large population cohorts (gnomAD); In silico analysis supports that this missense variant has a deleterious effect on protein structure/function